The following is an entry in ClinVar:

ClinVar aggregate classification (germline): Uncertain significance. Review status: criteria provided, multiple submitters, no conflicts (2 of 4 stars). 6 submissions from 6 submitters: Uncertain significance (6). Last evaluated 2026-02-01.

Conditions:
Cardiovascular phenotype. Identifiers: MedGen CN230736.
Familial isolated arrhythmogenic right ventricular dysplasia. Identifiers: Orphanet 217656, MedGen C4274968, MONDO:0016342.
Arrhythmogenic right ventricular dysplasia 11. Also called: Arrhythmogenic Right Ventricular Dysplasia/Cardiomyopathy11; Arrhythmogenic right ventricular dysplasia 11 with mild palmoplantar keratoderma and woolly hair; ARRHYTHMOGENIC RIGHT VENTRICULAR DYSPLASIA, FAMILIAL, 11. Identifiers: MedGen C1864850, MONDO:0012506, OMIM 610476.

Allele frequency attached by ClinVar (database versions not stated): gnomAD exomes below 0.00001; gnomAD 0.00001; TOPMed 0.00001.
gnomAD v4.1: 3 of 1,613,012 alleles (0.00019%); highest among the groups gnomAD compares: Admixed American, 0.005%; no homozygotes.

Submissions (6):

CeGaT Center for Human Genetics Tuebingen
Classification: Uncertain significance. Last evaluated: 2026-02-01. Review status: criteria provided, single submitter. Criteria: CeGaT Center For Human Genetics Tuebingen Variant Classification Criteria Version 2. Collection method: clinical testing. Allele origin: germline. Affected: yes. Observed: 1 variant allele.
Comment: DSC2: PM2, BP4

Labcorp Genetics (formerly Invitae), Labcorp
Classification: Uncertain significance for Arrhythmogenic right ventricular dysplasia 11. Last evaluated: 2025-11-12. Review status: criteria provided, single submitter. Criteria: Invitae Variant Classification Sherloc (09022015). Collection method: clinical testing. Allele origin: germline.
Comment: This sequence change replaces isoleucine, which is neutral and non-polar, with leucine, which is neutral and non-polar, at codon 109 of the DSC2 protein (p.Ile109Leu). This variant is present in population databases (no rsID available, gnomAD 0.006%). This variant has not been reported in the literature in individuals affected with DSC2-related conditions. ClinVar contains an entry for this variant (Variation ID: 518920). Invitae Evidence Modeling of protein sequence and biophysical properties (such as structural, functional, and spatial information, amino acid conservation, physicochemical variation, residue mobility, and thermodynamic stability) indicates that this missense variant is not expected to disrupt DSC2 protein function with a negative predictive value of 80%. In summary, the available evidence is currently insufficient to determine the role of this variant in disease. Therefore, it has been classified as a Variant of Uncertain Significance.

Ambry Genetics
Classification: Uncertain significance for Cardiovascular phenotype. Last evaluated: 2025-05-24. Review status: criteria provided, single submitter. Criteria: Ambry Variant Classification Scheme 2023. Collection method: clinical testing. Allele origin: germline.
Comment: The p.I109L variant (also known as c.325A>C), located in coding exon 3 of the DSC2 gene, results from an A to C substitution at nucleotide position 325. The isoleucine at codon 109 is replaced by leucine, an amino acid with highly similar properties. This amino acid position is not well conserved in available vertebrate species. In addition, this alteration is predicted to be tolerated by in silico analysis. Based on the available evidence, the clinical significance of this variant remains unclear.

All of Us Research Program, National Institutes of Health
Classification: Uncertain significance for Familial isolated arrhythmogenic right ventricular dysplasia. Last evaluated: 2024-08-06. Review status: criteria provided, single submitter. Criteria: ACMG Guidelines, 2015. Collection method: clinical testing. Allele origin: germline. Inheritance: Autosomal dominant inheritance. Observed: 3 variant alleles, 3 heterozygotes.
Comment: This missense variant replaces isoleucine with leucine at codon 109 of the DSC2 protein. Computational prediction suggests that this variant may not impact protein structure and function (internally defined REVEL score threshold <= 0.5, PMID: 27666373). To our knowledge, functional studies have not been reported for this variant. This variant has not been reported in individuals affected with DSC2-related disorders in the literature. This variant has been identified in 2/282108 chromosomes in the general population by the Genome Aggregation Database (gnomAD). The available evidence is insufficient to determine the role of this variant in disease conclusively. Therefore, this variant is classified as a Variant of Uncertain Significance.

This study involves interpretation of variants in research participants for the purpose of population health screening. Participant phenotype was not available at the time of variant classification. Additional details can be found in publication PMID: 35346344, PMCID: PMC8962531

Fulgent Genetics
Classification: Uncertain significance for Arrhythmogenic right ventricular dysplasia 11. Last evaluated: 2021-10-05. Review status: criteria provided, single submitter. Criteria: ACMG Guidelines, 2015. Collection method: clinical testing. Allele origin: unknown.

Stanford Center for Inherited Cardiovascular Disease, Stanford University
Classification: Uncertain significance. Last evaluated: 2017-06-20. Review status: criteria provided, single submitter. Criteria: ACMG Guidelines, 2015. Collection method: provider interpretation. Allele origin: germline.

NM_024422.6(DSC2):c.325A>C (p.Ile109Leu)

Gene: DSC2 (desmocollin 2; minus strand). Cytogenetic location: 18q12.1.
Variant type: single nucleotide variant.
Coding change: c.325A>C on transcript NM_024422.6 (MANE Select); coding-DNA position 325, A replaced by C.
Protein change: p.Ile109Leu; replaces isoleucine 109 with leucine.
Molecular consequence: missense variant.
Genome position (GRCh38, 1-based): chr18:31,092,130, T>G on the plus strand (A>C on the coding strand, the complement: DSC2 is on the minus strand). VCF-style: chr18-31092130-T-G. GRCh37 (hg19) VCF-style: chr18-28672093-T-G.
Other names: c.325A>C, p.Ile109Leu (NM_004949.5); short protein forms I109L.
Identifiers: ClinVar variation 518920 (VCV000518920.22), dbSNP rs1256252633, ClinGen allele CA402114621.